The following is an entry in ClinVar:

NM_033305.3(VPS13A):c.1052C>A (p.Ser351Ter)

Gene: VPS13A (vacuolar protein sorting 13 homolog A; plus strand). Cytogenetic location: 9q21.2.
Variant type: single nucleotide variant.
Coding change: c.1052C>A on transcript NM_033305.3 (MANE Select); coding-DNA position 1052, C replaced by A.
Protein change: p.Ser351Ter; replaces serine 351 with a stop codon.
Molecular consequence: nonsense.
Genome position (GRCh38, 1-based): chr9:77,221,247, C>A. VCF-style: chr9-77221247-C-A. GRCh37 (hg19) VCF-style: chr9-79836163-C-A.
Other names: c.1052C>A, p.Ser351Ter (NM_001018037.2, NM_001018038.3, NM_015186.4); short protein forms S351*.
Identifiers: ClinVar variation 2018018 (VCV002018018.4), dbSNP rs2537602940, ClinGen allele CA373843906.

ClinVar aggregate classification (germline): Pathogenic (1 of 4 stars; one submission).

Submission:

Labcorp Genetics (formerly Invitae), Labcorp
Classification: Pathogenic. Last evaluated: 2022-07-19. Review status: criteria provided, single submitter. Criteria: Invitae Variant Classification Sherloc (09022015). Collection method: clinical testing. Allele origin: germline.
Comment: For these reasons, this variant has been classified as Pathogenic. This variant has not been reported in the literature in individuals affected with VPS13A-related conditions. This variant is not present in population databases (gnomAD no frequency). This sequence change creates a premature translational stop signal (p.Ser351*) in the VPS13A gene. It is expected to result in an absent or disrupted protein product. Loss-of-function variants in VPS13A are known to be pathogenic (PMID: 12404112, 21598378).

Literature cited by the submitters: PubMed 12404112; PubMed 21598378.